The following is an entry in ClinVar:

NM_138386.3(NAF1):c.691A>T (p.Lys231Ter)

Gene: NAF1 (nuclear assembly factor 1 ribonucleoprotein; minus strand). Cytogenetic location: 4q32.2.
Variant type: single nucleotide variant.
Coding change: c.691A>T on transcript NM_138386.3 (MANE Select); coding-DNA position 691, A replaced by T.
Protein change: p.Lys231Ter; replaces lysine 231 with a stop codon.
Molecular consequence: nonsense.
Genome position (GRCh38, 1-based): chr4:163,145,808, T>A on the plus strand (A>T on the coding strand, the complement: NAF1 is on the minus strand). VCF-style: chr4-163145808-T-A. GRCh37 (hg19) VCF-style: chr4-164066960-T-A.
Other names: c.691A>T, p.Lys231Ter (NM_001128931.2); short protein forms K231*.
Identifiers: ClinVar variation 2443185 (VCV002443185.3), dbSNP rs2477240425, ClinGen allele CA358660700.

ClinVar aggregate classification (germline): Uncertain significance. Review status: criteria provided, single submitter (1 of 4 stars). 2 submissions from 2 submitters: Uncertain significance (1). 1 of the submissions does not count toward it. Last evaluated 2022-02-16.

Submissions (2):

Blueprint Genetics
Classification: Uncertain significance. Last evaluated: 2022-02-16. Review status: criteria provided, single submitter. Criteria: ACMG Guidelines, 2015. Collection method: clinical testing. Allele origin: germline.

Genetic Services Laboratory, University of Chicago
Classification: Likely pathogenic. Last evaluated: 2022-08-28. Review status: no assertion criteria provided. Collection method: clinical testing. Allele origin: germline. Affected: yes. Not counted in ClinVar's aggregate classification.
Comment: DNA sequence analysis of the NAF1 gene demonstrated a sequence change, c.691A>T, which results in the creation of a premature stop codon at amino acid position 231, p.Lys231*. This sequence change is predicted to result in an abnormal transcript, which may be degraded, or may lead to the production of a truncated NAF1 protein with potentially abnormal function. This sequence change does not appear to have been previously described in individuals with NAF1-related disorders, however, other truncating sequence changes have been described in individuals with NAF1-related telomere biology disorders (PMID: 27510903). This sequence change has also not been described in the population databases such as ExAC and gnomAD. These collective evidences indicate that this sequence change is likely pathogenic, however, functional studies have not been completed to prove this conclusively. Heterozygous pathogenic variants in the NAF1 gene have been described in individuals with short telomere length, pulmonary fibrosis, low telomerase RNA levels, and extra-pulmonary manifestations including myelodysplastic syndrome and liver disease (PMID: 27510903).